The following is an entry in ClinVar:

ClinVar aggregate classification (germline): Uncertain significance. Review status: criteria provided, multiple submitters, no conflicts (2 of 4 stars). 3 submissions from 3 submitters: Uncertain significance (3). Last evaluated 2024-09-09.

Conditions:
Hereditary cancer-predisposing syndrome. Also called: Hereditary Cancer Syndrome; Neoplastic Syndromes, Hereditary; Hereditary neoplastic syndrome; Tumor predisposition. Identifiers: Orphanet 140162, MedGen C0027672, MeSH D009386, MONDO:0015356.
Familial adenomatous polyposis 2. Also called: COLORECTAL ADENOMATOUS POLYPOSIS, AUTOSOMAL RECESSIVE; ADENOMAS, MULTIPLE COLORECTAL, AUTOSOMAL RECESSIVE; MUTYH-associated polyposis; MUTYH Polyposis; Adenomas, multiple colorectal; MUTYH-related attenuated familial adenomatous polyposis. Identifiers: Orphanet 220460, Orphanet 247798, MedGen C3272841, MONDO:0012041, OMIM 608456.

gnomAD v4.1: 1 of 1,614,184 alleles (0.000062%); highest among the groups gnomAD compares: Non-Finnish European, 0.000085%; no homozygotes.

Submissions (3):

Color Diagnostics, LLC DBA Color Health
Classification: Uncertain significance for Hereditary cancer-predisposing syndrome. Last evaluated: 2024-09-09. Review status: criteria provided, single submitter. Criteria: ACMG Guidelines, 2015. Collection method: clinical testing. Allele origin: germline.
Comment: This missense variant replaces serine with alanine at codon 80 of the MUTYH protein. Computational prediction suggests that this variant may not impact protein structure and function (internally defined REVEL score threshold <= 0.5, PMID: 27666373). To our knowledge, functional studies have not been reported for this variant. This variant has not been reported in individuals affected with MUTYH-related disorders in the literature. This variant has not been identified in the general population by the Genome Aggregation Database (gnomAD). The available evidence is insufficient to determine the role of this variant in disease conclusively. Therefore, this variant is classified as a Variant of Uncertain Significance.

Labcorp Genetics (formerly Invitae), Labcorp
Classification: Uncertain significance for Familial adenomatous polyposis 2. Last evaluated: 2022-12-30. Review status: criteria provided, single submitter. Criteria: Invitae Variant Classification Sherloc (09022015). Collection method: clinical testing. Allele origin: germline.
Comment: This sequence change replaces serine, which is neutral and polar, with alanine, which is neutral and non-polar, at codon 80 of the MUTYH protein (p.Ser80Ala). This variant is not present in population databases (gnomAD no frequency). This variant has not been reported in the literature in individuals affected with MUTYH-related conditions. ClinVar contains an entry for this variant (Variation ID: 1422483). Algorithms developed to predict the effect of missense changes on protein structure and function (SIFT, PolyPhen-2, Align-GVGD) all suggest that this variant is likely to be tolerated. Algorithms developed to predict the effect of sequence changes on RNA splicing suggest that this variant may create or strengthen a splice site. In summary, the available evidence is currently insufficient to determine the role of this variant in disease. Therefore, it has been classified as a Variant of Uncertain Significance.

Ambry Genetics
Classification: Uncertain significance for Hereditary cancer-predisposing syndrome. Last evaluated: 2022-04-30. Review status: criteria provided, single submitter. Criteria: Ambry Variant Classification Scheme 2023. Collection method: clinical testing. Allele origin: germline.
Comment: The p.S80A variant (also known as c.238T>G), located in coding exon 3 of the MUTYH gene, results from a T to G substitution at nucleotide position 238. The serine at codon 80 is replaced by alanine, an amino acid with similar properties. This amino acid position is conserved. In addition, this alteration is predicted to be tolerated by in silico analysis. Since supporting evidence is limited at this time, the clinical significance of this alteration remains unclear.

NM_001048174.2(MUTYH):c.154T>G (p.Ser52Ala)

Gene: MUTYH (mutY DNA glycosylase; minus strand). Cytogenetic location: 1p34.1.
Variant type: single nucleotide variant.
Coding change: c.154T>G on transcript NM_001048174.2 (MANE Select); coding-DNA position 154, T replaced by G.
Protein change: p.Ser52Ala; replaces serine 52 with alanine.
Molecular consequence: missense variant. On other transcripts: 5 prime UTR variant (1), non-coding transcript variant (2), intron variant (3).
Genome position (GRCh38, 1-based): chr1:45,333,523, A>C on the plus strand (T>G on the coding strand, the complement: MUTYH is on the minus strand). VCF-style: chr1-45333523-A-C. GRCh37 (hg19) VCF-style: chr1-45799195-A-C.
Other names: c.154T>G, p.Ser52Ala (NM_001048171.2, NM_001048173.2, NM_001293195.2); c.157T>G, p.Ser53Ala (NM_001048172.2); c.238T>G, p.Ser80Ala (NM_001128425.2); c.199T>G, p.Ser67Ala (NM_001293190.2); c.187T>G, p.Ser63Ala (NM_001293191.2); c.-118T>G (NM_001350650.2); c.229T>G, p.Ser77Ala (NM_012222.3); c.-92-26T>G (NM_001350651.2); and 1 more; short protein forms S63A, S67A, S80A, S52A, S53A, S77A.
Identifiers: ClinVar variation 1422483 (VCV001422483.11), dbSNP rs2149175120, ClinGen allele CA340136563.